The following is an entry in ClinVar:

NM_138694.4(PKHD1):c.7109+2T>G

Gene: PKHD1 (PKHD1 ciliary IPT domain containing fibrocystin/polyductin; minus strand). Cytogenetic location: 6p12.2.
Variant type: single nucleotide variant.
Coding change: c.7109+2T>G on transcript NM_138694.4 (MANE Select); the canonical splice donor site of the intron after coding-DNA position 7109, T replaced by G.
Molecular consequence: splice donor variant.
Genome position (GRCh38, 1-based): chr6:51,887,131, A>C on the plus strand (T>G on the coding strand, the complement: PKHD1 is on the minus strand). VCF-style: chr6-51887131-A-C. GRCh37 (hg19) VCF-style: chr6-51751929-A-C.
Other names: c.7109+2T>G (NM_170724.3).
Identifiers: ClinVar variation 4816733 (VCV004816733.1).

ClinVar aggregate classification (germline): Likely pathogenic (1 of 4 stars; one submission).

Conditions:
Autosomal recessive polycystic kidney disease (ARPKD). Also called: AR polycystic kidney disease. Identifiers: Orphanet 731, Orphanet 8378, MedGen C0085548, MeSH D017044, MONDO:0009889.

Submission:

Natera, Inc.
Classification: Likely pathogenic for Autosomal recessive polycystic kidney disease. Last evaluated: 2024-09-14. Review status: criteria provided, single submitter. Criteria: Natera Variant Classification Schema (03/2026). Collection method: clinical testing. Allele origin: germline.
Comment: The c.7109+2T>G variant in PKHD1 is a canonical splice donor site variant predicted to affect pre-mRNA splicing, which may result in an abnormal transcript and altered protein product. This variant is expected to result in nonsense mediated decay, truncation, or a dysfunctional protein product. This variant is rare in the general population with a frequency below the threshold expected for the associated phenotype(s). Given the available evidence, this variant is classified as Likely Pathogenic.